The following is an entry in ClinVar:

NM_000052.7(ATP7A):c.119A>C (p.Lys40Thr)

Gene: ATP7A (ATPase copper transporting alpha; plus strand). Cytogenetic location: Xq21.1.
Variant type: single nucleotide variant.
Coding change: c.119A>C on transcript NM_000052.7 (MANE Select); coding-DNA position 119, A replaced by C.
Protein change: p.Lys40Thr; replaces lysine 40 with threonine.
Molecular consequence: missense variant. On other transcripts: non-coding transcript variant (1).
Genome position (GRCh38, 1-based): chrX:77,971,760, A>C. VCF-style: chrX-77971760-A-C. GRCh37 (hg19) VCF-style: chrX-77227257-A-C.
Other names: c.119A>C, p.Lys40Thr (NM_001282224.2); short protein forms K40T.
Identifiers: ClinVar variation 1041243 (VCV001041243.11), dbSNP rs1557229686, ClinGen allele CA413597872.

ClinVar aggregate classification (germline): Uncertain significance. Review status: criteria provided, multiple submitters, no conflicts (2 of 4 stars). 3 submissions from 3 submitters: Uncertain significance (2). 1 of the submissions does not count toward it. Last evaluated 2024-06-07.

Conditions:
Menkes kinky-hair syndrome (MNK). Also called: Copper transport disease; Classic Menkes Disease; Menkes Disease. Identifiers: Orphanet 565, MedGen C0022716, MONDO:0010651, OMIM 309400.
Cutis laxa, X-linked (OHS). Also called: EDS IX; Occipital horn syndrome. Identifiers: Orphanet 198, MedGen C0268353, MONDO:0010572, OMIM 304150.
X-linked distal spinal muscular atrophy type 3. Also called: SPINAL MUSCULAR ATROPHY, DISTAL, X-LINKED RECESSIVE; ATP7A-Related Distal Motor Neuropathy; NEURONOPATHY, DISTAL HEREDITARY MOTOR, X-LINKED; NEUROPATHY, DISTAL HEREDITARY MOTOR, X-LINKED. Identifiers: Orphanet 139557, MedGen C1845359, MONDO:0010338, OMIM 300489.

Allele frequency attached by ClinVar (database versions not stated): gnomAD exomes 0.00001; gnomAD 0.00002.
gnomAD v4.1: 5 of 1,209,410 alleles (0.00041%); highest among the groups gnomAD compares: Admixed American, 0.0044%; no homozygotes.

Submissions (3):

Fulgent Genetics
Classification: Uncertain significance for X-linked distal spinal muscular atrophy type 3; Cutis laxa, X-linked; Menkes kinky-hair syndrome. Last evaluated: 2024-06-07. Review status: criteria provided, single submitter. Criteria: ACMG Guidelines, 2015. Collection method: clinical testing. Allele origin: germline.

Labcorp Genetics (formerly Invitae), Labcorp
Classification: Uncertain significance for X-linked distal spinal muscular atrophy type 3; Cutis laxa, X-linked; Menkes kinky-hair syndrome. Last evaluated: 2024-03-15. Review status: criteria provided, single submitter. Criteria: Invitae Variant Classification Sherloc (09022015). Collection method: clinical testing. Allele origin: germline.
Comment: This sequence change replaces lysine, which is basic and polar, with threonine, which is neutral and polar, at codon 40 of the ATP7A protein (p.Lys40Thr). This variant is present in population databases (no rsID available, gnomAD 0.007%), including at least one homozygous and/or hemizygous individual. This variant has not been reported in the literature in individuals affected with ATP7A-related conditions. ClinVar contains an entry for this variant (Variation ID: 1041243). An algorithm developed to predict the effect of missense changes on protein structure and function (PolyPhen-2) suggests that this variant is likely to be disruptive. In summary, the available evidence is currently insufficient to determine the role of this variant in disease. Therefore, it has been classified as a Variant of Uncertain Significance.

Natera, Inc.
Classification: Uncertain significance for Menkes kinky hair syndrome. Last evaluated: 2021-07-16. Review status: no assertion criteria provided. Collection method: clinical testing. Allele origin: germline. Not counted in ClinVar's aggregate classification.